The following is an entry in ClinVar:

ClinVar aggregate classification (germline): Uncertain significance (1 of 4 stars; one submission).

Submission:

Labcorp Genetics (formerly Invitae), Labcorp
Classification: Uncertain significance. Last evaluated: 2022-08-11. Review status: criteria provided, single submitter. Criteria: Invitae Variant Classification Sherloc (09022015). Collection method: clinical testing. Allele origin: germline.
Comment: In summary, the available evidence is currently insufficient to determine the role of this variant in disease. Therefore, it has been classified as a Variant of Uncertain Significance. Algorithms developed to predict the effect of missense changes on protein structure and function are either unavailable or do not agree on the potential impact of this missense change (SIFT: "Tolerated"; PolyPhen-2: "Possibly Damaging"; Align-GVGD: "Class C0"). This variant has not been reported in the literature in individuals affected with WDR73-related conditions. This variant is not present in population databases (gnomAD no frequency). This sequence change replaces serine, which is neutral and polar, with phenylalanine, which is neutral and non-polar, at codon 61 of the WDR73 protein (p.Ser61Phe).

NM_032856.5(WDR73):c.182C>T (p.Ser61Phe)

Gene: WDR73 (WD repeat domain 73; minus strand). Cytogenetic location: 15q25.2.
Variant type: single nucleotide variant.
Coding change: c.182C>T on transcript NM_032856.5 (MANE Select); coding-DNA position 182, C replaced by T.
Protein change: p.Ser61Phe; replaces serine 61 with phenylalanine.
Molecular consequence: missense variant. On other transcripts: non-coding transcript variant (4).
Genome position (GRCh38, 1-based): chr15:84,652,730, G>A on the plus strand (C>T on the coding strand, the complement: WDR73 is on the minus strand). VCF-style: chr15-84652730-G-A. GRCh37 (hg19) VCF-style: chr15-85195961-G-A.
Other names: short protein forms S61F.
Identifiers: ClinVar variation 1715718 (VCV001715718.5), dbSNP rs2505394723, ClinGen allele CA393332183.
Genomic context (GRCh38, chr15:84,652,730, plus strand): 5'-AATAAATAAAAGTTGACATACTCAGCATTTATATTTTAAGTTACCTTGTTTTCCTTTACA[G>A]AAAGTCTGAGAGGTAATTTCAGATGAAGAATTTCATTCTTTTTCAGGCTTTCATAGCCAG-3'
Protein context (NP_116245.2, residues 51-71): ILHLKLPLRL[Ser61Phe]VKENKGLFPE